The following is an entry in ClinVar:

NM_004525.3(LRP2):c.3968A>G (p.Asn1323Ser)

Gene: LRP2 (LDL receptor related protein 2; minus strand). Cytogenetic location: 2q31.1.
Variant type: single nucleotide variant.
Coding change: c.3968A>G on transcript NM_004525.3 (MANE Select); coding-DNA position 3968, A replaced by G.
Protein change: p.Asn1323Ser; replaces asparagine 1323 with serine.
Molecular consequence: missense variant.
Genome position (GRCh38, 1-based): chr2:169,241,065, T>C on the plus strand (A>G on the coding strand, the complement: LRP2 is on the minus strand). VCF-style: chr2-169241065-T-C. GRCh37 (hg19) VCF-style: chr2-170097575-T-C.
Other names: short protein forms N1323S.
Identifiers: ClinVar variation 2115659 (VCV002115659.1), dbSNP rs1689785931, ClinGen allele CA349147138.
Genomic context (GRCh38, chr2:169,241,065, plus strand): 5'-TCTGTCCCATTGGGGCAGTCAAAGATGCCATCACACACTACACTCAGATTCACACAGATG[T>C]TATGGCCAAGACACTGCCATTGCCAACTAGGACAGCGAAAGGGCTGAGTAGGGCAGTCCT-3'
Protein context (NP_004516.2, residues 1313-1333): PSWQWQCLGH[Asn1323Ser]ICVNLSVVCD

ClinVar aggregate classification (germline): Uncertain significance (1 of 4 stars; one submission).

Allele frequency attached by ClinVar (database versions not stated): gnomAD exomes below 0.00001.

Submission:

Labcorp Genetics (formerly Invitae), Labcorp
Classification: Uncertain significance. Last evaluated: 2022-09-27. Review status: criteria provided, single submitter. Criteria: Invitae Variant Classification Sherloc (09022015). Collection method: clinical testing. Allele origin: germline.
Comment: This sequence change replaces asparagine, which is neutral and polar, with serine, which is neutral and polar, at codon 1323 of the LRP2 protein (p.Asn1323Ser). This variant is not present in population databases (gnomAD no frequency). This variant has not been reported in the literature in individuals affected with LRP2-related conditions. Advanced modeling of protein sequence and biophysical properties (such as structural, functional, and spatial information, amino acid conservation, physicochemical variation, residue mobility, and thermodynamic stability) performed at Invitae indicates that this missense variant is not expected to disrupt LRP2 protein function. In summary, the available evidence is currently insufficient to determine the role of this variant in disease. Therefore, it has been classified as a Variant of Uncertain Significance.